The following is an entry in ClinVar:

ClinVar aggregate classification (germline): Uncertain significance (1 of 4 stars; one submission).

Submission:

Labcorp Genetics (formerly Invitae), Labcorp
Classification: Uncertain significance. Last evaluated: 2025-08-24. Review status: criteria provided, single submitter. Criteria: Invitae Variant Classification Sherloc (09022015). Collection method: clinical testing. Allele origin: germline.
Comment: This sequence change replaces arginine, which is basic and polar, with glycine, which is neutral and non-polar, at codon 408 of the FBLN5 protein (p.Arg408Gly). This variant is not present in population databases (gnomAD no frequency). This variant has not been reported in the literature in individuals affected with FBLN5-related conditions. Invitae Evidence Modeling of protein sequence and biophysical properties (such as structural, functional, and spatial information, amino acid conservation, physicochemical variation, residue mobility, and thermodynamic stability) has been performed for this missense variant. However, the output from this modeling did not meet the statistical confidence thresholds required to predict the impact of this variant on FBLN5 protein function. In summary, the available evidence is currently insufficient to determine the role of this variant in disease. Therefore, it has been classified as a Variant of Uncertain Significance.

NM_006329.4(FBLN5):c.1222C>G (p.Arg408Gly)

Gene: FBLN5 (fibulin 5; minus strand). Cytogenetic location: 14q32.12.
Variant type: single nucleotide variant.
Coding change: c.1222C>G on transcript NM_006329.4 (MANE Select); coding-DNA position 1222, C replaced by G.
Protein change: p.Arg408Gly; replaces arginine 408 with glycine.
Molecular consequence: missense variant. On other transcripts: 3 prime UTR variant (2).
Genome position (GRCh38, 1-based): chr14:91,870,349, G>C on the plus strand (C>G on the coding strand, the complement: FBLN5 is on the minus strand). VCF-style: chr14-91870349-G-C. GRCh37 (hg19) VCF-style: chr14-92336693-G-C.
Other names: c.1345C>G, p.Arg449Gly (NM_001384158.1); c.1273C>G, p.Arg425Gly (NM_001384159.1); c.*6C>G (NM_001384160.1, NM_001384161.1); c.1054C>G, p.Arg352Gly (NM_001384162.1); short protein forms R352G, R408G, R425G, R449G.
Identifiers: ClinVar variation 4803942 (VCV004803942.1).
Genomic context (GRCh38, chr14:91,870,349, plus strand): 5'-CAGTGTTGACAGTGATCATTTCCAAGTCCAGCTGGATTTCCCGGGGCCCTTTGATGGGGC[G>C]TGTCATCACCAGGGTGGCACTGATGGGGCCCGTTTGCTATGGACAGAACCGGGGAACACC-3'
Protein context (NP_006320.2, residues 398-418): GPISATLVMT[Arg408Gly]PIKGPREIQL